The following is an entry in ClinVar:

NM_001371727.1(GABRB2):c.860C>T (p.Thr287Ile)

Gene: GABRB2 (gamma-aminobutyric acid type A receptor subunit beta2; minus strand). Cytogenetic location: 5q34.
Variant type: single nucleotide variant.
Coding change: c.860C>T on transcript NM_001371727.1 (MANE Select); coding-DNA position 860, C replaced by T.
Protein change: p.Thr287Ile; replaces threonine 287 with isoleucine.
Molecular consequence: missense variant.
Genome position (GRCh38, 1-based): chr5:161,331,100, G>A on the plus strand (C>T on the coding strand, the complement: GABRB2 is on the minus strand). VCF-style: chr5-161331100-G-A. GRCh37 (hg19) VCF-style: chr5-160758107-G-A.
Other names: c.860C>T, p.Thr287Ile (NM_000813.3, NM_021911.3); short protein forms T287I.
Identifiers: ClinVar variation 949052 (VCV000949052.12), dbSNP rs1753824440, ClinGen allele CA362175464.
Genomic context (GRCh38, chr5:161,331,100, plus strand): 5'-ATGTCAATGGCCTTCACATAGGGGATTTTAGGGAGAGTTTCCCGGAGGTGGGTGTTGATT[G>A]TGGTCATTGTGAGGACAGTTGTGATTCCTGAAAAAAAATGGGAGAGTTAGAGTAATAATG-3'
Protein context (NP_001358656.1, residues 277-297): LGITTVLTMT[Thr287Ile]INTHLRETLP

ClinVar aggregate classification (germline): Conflicting classifications of pathogenicity. Review status: criteria provided, conflicting classifications (1 of 4 stars). 2 submissions from 2 submitters: Likely pathogenic (1); Uncertain significance (1). Last evaluated 2022-02-03.

Conditions:
Intellectual disability. Also called: Intellectual functioning disability; Intellectual developmental disorder; intellectual disabilities. Identifiers: MedGen C3714756, MeSH D008607, MONDO:0001071, HP:0001249.
Developmental and epileptic encephalopathy 92. Also called: EPILEPTIC ENCEPHALOPATHY, INFANTILE OR EARLY CHILDHOOD, 2. Identifiers: MedGen C4693362, MONDO:0020631, OMIM 617829.

Submissions (2):

Labcorp Genetics (formerly Invitae), Labcorp
Classification: Likely pathogenic for Intellectual disability. Last evaluated: 2022-02-03. Review status: criteria provided, single submitter. Criteria: Invitae Variant Classification Sherloc (09022015). Collection method: clinical testing. Allele origin: germline.
Comment: This sequence change replaces threonine, which is neutral and polar, with isoleucine, which is neutral and non-polar, at codon 287 of the GABRB2 protein (p.Thr287Ile). In summary, the currently available evidence indicates that the variant is pathogenic, but additional data are needed to prove that conclusively. Therefore, this variant has been classified as Likely Pathogenic. This variant disrupts the p.Thr287 amino acid residue in GABRB2. Other variant(s) that disrupt this residue have been determined to be pathogenic (PMID: 27789573). This suggests that this residue is clinically significant, and that variants that disrupt this residue are likely to be disease-causing. Advanced modeling of protein sequence and biophysical properties (such as structural, functional, and spatial information, amino acid conservation, physicochemical variation, residue mobility, and thermodynamic stability) performed at Invitae indicates that this missense variant is expected to disrupt GABRB2 protein function. ClinVar contains an entry for this variant (Variation ID: 949052). This variant has not been reported in the literature in individuals affected with GABRB2-related conditions. This variant is not present in population databases (gnomAD no frequency).

Revvity Omics, Revvity
Classification: Uncertain significance for Developmental and epileptic encephalopathy 92. Last evaluated: 2019-02-15. Review status: criteria provided, single submitter. Criteria: ACMG Guidelines, 2015. Collection method: clinical testing. Allele origin: germline.

Literature cited by the submitters: PubMed 27789573 (cited by Labcorp Genetics (formerly Invitae), Labcorp).